The following is an entry in ClinVar:

NM_003737.4(DCHS1):c.1613A>G (p.Tyr538Cys)

Gene: DCHS1 (dachsous cadherin-related 1; minus strand). Cytogenetic location: 11p15.4.
Variant type: single nucleotide variant.
Coding change: c.1613A>G on transcript NM_003737.4 (MANE Select); coding-DNA position 1613, A replaced by G.
Protein change: p.Tyr538Cys; replaces tyrosine 538 with cysteine.
Molecular consequence: missense variant.
Genome position (GRCh38, 1-based): chr11:6,640,001, T>C on the plus strand (A>G on the coding strand, the complement: DCHS1 is on the minus strand). VCF-style: chr11-6640001-T-C. GRCh37 (hg19) VCF-style: chr11-6661232-T-C.
Other names: short protein forms Y538C.
Identifiers: ClinVar variation 4779299 (VCV004779299.1).

ClinVar aggregate classification (germline): Uncertain significance (1 of 4 stars; one submission).

gnomAD v4.1: 19 of 1,613,852 alleles (0.0012%); highest among the groups gnomAD compares: South Asian, 0.0066%; no homozygotes.

Submission:

Labcorp Genetics (formerly Invitae), Labcorp
Classification: Uncertain significance. Last evaluated: 2025-01-22. Review status: criteria provided, single submitter. Criteria: Invitae Variant Classification Sherloc (09022015). Collection method: clinical testing. Allele origin: germline.
Comment: This sequence change replaces tyrosine, which is neutral and polar, with cysteine, which is neutral and slightly polar, at codon 538 of the DCHS1 protein (p.Tyr538Cys). This variant is present in population databases (rs747734160, gnomAD 0.003%). This variant has not been reported in the literature in individuals affected with DCHS1-related conditions. Invitae Evidence Modeling of protein sequence and biophysical properties (such as structural, functional, and spatial information, amino acid conservation, physicochemical variation, residue mobility, and thermodynamic stability) indicates that this missense variant is expected to disrupt DCHS1 protein function with a positive predictive value of 80%. In summary, the available evidence is currently insufficient to determine the role of this variant in disease. Therefore, it has been classified as a Variant of Uncertain Significance.